The following is an entry in ClinVar:

ClinVar aggregate classification (germline): Uncertain significance. Review status: criteria provided, multiple submitters, no conflicts (2 of 4 stars). 2 submissions from 2 submitters: Uncertain significance (2). Last evaluated 2024-11-17.

Conditions:
Autosomal dominant Parkinson disease 8. Also called: LRRK2-Related Parkinson Disease; Parkinson disease 8; Parkinson disease 8, susceptibility to. Identifiers: Orphanet 411602, MedGen C1846862, MONDO:0011764, OMIM 607060.
Inborn genetic diseases. Identifiers: MedGen C0950123, MeSH D030342.

Submissions (2):

Ambry Genetics
Classification: Uncertain significance for Inborn genetic diseases. Last evaluated: 2024-11-17. Review status: criteria provided, single submitter. Criteria: Ambry Variant Classification Scheme 2023. Collection method: clinical testing. Allele origin: germline.
Comment: The p.Y1485D variant (also known as c.4453T>G), located in coding exon 31 of the LRRK2 gene, results from a T to G substitution at nucleotide position 4453. The tyrosine at codon 1485 is replaced by aspartic acid, an amino acid with highly dissimilar properties. This amino acid position is conserved. In addition, this alteration is predicted to be deleterious by in silico analysis. Based on the available evidence, the clinical significance of this variant remains unclear.

Illumina Laboratory Services, Illumina
Classification: Uncertain significance for Autosomal dominant Parkinson disease 8. Last evaluated: 2021-01-11. Review status: criteria provided, single submitter. Criteria: ICSLVariantClassificationCriteria RUGD 01 April 2020. Collection method: clinical testing. Allele origin: unknown.
Comment: The LRRK2 c.4453T>G (p.Tyr1485Asp) variant is a missense variant. A literature search was performed for the gene, cDNA change, and amino acid change. No publications were found based on this search. This variant is not found in the Genome Aggregation Database in a region of good sequence coverage, so the variant is presumed to be rare. Based on the limited evidence, the p.Tyr1485Asp variant is classified as a variant of uncertain significance for LRRK2-related Parkinsonism.

NM_198578.4(LRRK2):c.4453T>G (p.Tyr1485Asp)

Gene: LRRK2 (leucine rich repeat kinase 2; plus strand). Cytogenetic location: 12q12.
Variant type: single nucleotide variant.
Coding change: c.4453T>G on transcript NM_198578.4 (MANE Select); coding-DNA position 4453, T replaced by G.
Protein change: p.Tyr1485Asp; replaces tyrosine 1485 with aspartic acid.
Molecular consequence: missense variant.
Genome position (GRCh38, 1-based): chr12:40,310,566, T>G. VCF-style: chr12-40310566-T-G. GRCh37 (hg19) VCF-style: chr12-40704368-T-G.
Other names: c.4453T>G (NM_198578.3); short protein forms Y1485D.
Identifiers: ClinVar variation 1199187 (VCV001199187.5), dbSNP rs199626271, ClinGen allele CA235358115.